The following is an entry in ClinVar:

NM_025114.4(CEP290):c.180G>A (p.Lys60=)

Gene: CEP290 (centrosomal protein 290; minus strand). Cytogenetic location: 12q21.32.
Variant type: single nucleotide variant.
Coding change: c.180G>A on transcript NM_025114.4 (MANE Select); coding-DNA position 180, G replaced by A.
Protein change: p.Lys60=; no amino-acid change (lysine 60 retained).
Molecular consequence: synonymous variant.
Genome position (GRCh38, 1-based): chr12:88,140,956, C>T on the plus strand (G>A on the coding strand, the complement: CEP290 is on the minus strand). VCF-style: chr12-88140956-C-T. GRCh37 (hg19) VCF-style: chr12-88534733-C-T.
Identifiers: ClinVar variation 1899461 (VCV001899461.5), dbSNP rs2501849042, ClinGen allele CA481055292.

ClinVar aggregate classification (germline): Pathogenic (1 of 4 stars; one submission).

Conditions:
Nephronophthisis. Also called: Juvenile Nephronophthisis. Identifiers: Orphanet 655, MedGen C0687120, MONDO:0019005, HP:0000090.
Meckel-Gruber syndrome. Also called: DYSENCEPHALIA SPLANCHNOCYSTICA; GRUBER SYNDROME; Dysencephalia splachnocystica. Identifiers: Orphanet 564, MedGen C0265215, MONDO:0018921.
Joubert syndrome. Also called: CEREBELLOPARENCHYMAL DISORDER IV; JOUBERT-BOLTSHAUSER SYNDROME; Familial aplasia of the vermis. Identifiers: Orphanet 475, MedGen C5979921, MONDO:0018772.

Submission:

Labcorp Genetics (formerly Invitae), Labcorp
Classification: Pathogenic for Joubert syndrome; Meckel-Gruber syndrome; Nephronophthisis. Last evaluated: 2022-07-07. Review status: criteria provided, single submitter. Criteria: Invitae Variant Classification Sherloc (09022015). Collection method: clinical testing. Allele origin: germline.
Comment: This sequence change affects codon 60 of the CEP290 mRNA. It is a 'silent' change, meaning that it does not change the encoded amino acid sequence of the CEP290 protein. RNA analysis indicates that this variant induces altered splicing and likely results in a shortened protein product. This variant is not present in population databases (gnomAD no frequency). This variant has been observed in individual(s) with Meckel-Gruber syndrome (PMID: 34096792). Variants that disrupt the consensus splice site are a relatively common cause of aberrant splicing (PMID: 17576681, 9536098). Studies have shown that this variant results in skipping of exon 3, but is expected to preserve the integrity of the reading-frame (PMID: 34096792). This variant disrupts a region of the CEP290 protein in which other variant(s) (p.His50Tyr) have been determined to be pathogenic (PMID: 27208204, 28418496, 29398085). This suggests that this is a clinically significant region of the protein, and that variants that disrupt it are likely to be disease-causing. For these reasons, this variant has been classified as Pathogenic.

Literature cited by the submitters: PubMed 34096792; PubMed 17576681; PubMed 9536098; PubMed 27208204; PubMed 28418496; PubMed 29398085.